The following is an entry in ClinVar:

NM_001267550.2(TTN):c.105046T>C (p.Cys35016Arg)

Genes: TTN-AS1 (TTN antisense RNA 1; plus strand), TTN (titin; minus strand). Cytogenetic location: 2q31.2.
Variant type: single nucleotide variant.
Coding change: c.105046T>C on transcript NM_001267550.2 (MANE Select); coding-DNA position 105046, T replaced by C.
Protein change: p.Cys35016Arg; replaces cysteine 35016 with arginine.
Molecular consequence: missense variant.
Genome position (GRCh38, 1-based): chr2:178,531,569, A>G on the plus strand (T>C on the coding strand, the complement: TTN is on the minus strand). VCF-style: chr2-178531569-A-G. GRCh37 (hg19) VCF-style: chr2-179396296-A-G.
Other names: c.100123T>C, p.Cys33375Arg (NM_001256850.1); c.77851T>C, p.Cys25951Arg (NM_003319.4); c.97342T>C, p.Cys32448Arg (NM_133378.4); c.78226T>C, p.Cys26076Arg (NM_133432.3); c.78427T>C, p.Cys26143Arg (NM_133437.4); short protein forms C25951R, C26076R, C26143R, C32448R, C33375R, C35016R.
Identifiers: ClinVar variation 3762155 (VCV003762155.2).
Genomic context (GRCh38, chr2:178,531,569, plus strand): 5'-AATCCCCTCCTGTCACGTCCAACGTTGCATAGTCAGAAGCTTCGCCCTTGTAGTTGGTGC[A>G]CACAGCACGGTAGGTTCCACTGTCATCAGTATGACAGTCCAGAATTTCCAGGGTGAGGAC-3'
Protein context (NP_001254479.2, residues 35006-35026): TDDSGTYRAV[Cys35016Arg]TNYKGEASDY

ClinVar aggregate classification (germline): Uncertain significance (1 of 4 stars; one submission).

Conditions:
Autosomal recessive limb-girdle muscular dystrophy type 2J (LGMDR10). Also called: Limb-girdle muscular dystrophy, type 2J; MUSCULAR DYSTROPHY, LIMB-GIRDLE, AUTOSOMAL RECESSIVE 10. Identifiers: Orphanet 140922, MedGen C1837342, MONDO:0012127, OMIM 608807.
Dilated cardiomyopathy 1G (CMD1G). Identifiers: Orphanet 154, MedGen C1858763, MONDO:0011400, OMIM 604145.

Submission:

Labcorp Genetics (formerly Invitae), Labcorp
Classification: Uncertain significance for Dilated cardiomyopathy 1G; Autosomal recessive limb-girdle muscular dystrophy type 2J. Last evaluated: 2024-09-27. Review status: criteria provided, single submitter. Criteria: Invitae Variant Classification Sherloc (09022015). Collection method: clinical testing. Allele origin: germline.
Comment: This sequence change replaces cysteine, which is neutral and slightly polar, with arginine, which is basic and polar, at codon 35016 of the TTN protein (p.Cys35016Arg). This variant is not present in population databases (gnomAD no frequency). This variant has not been reported in the literature in individuals affected with TTN-related conditions. Experimental studies and prediction algorithms are not available or were not evaluated, and the functional significance of this variant is currently unknown. This variant is located in the M band of TTN (PMID: 25589632). Non-truncating variants in this region may be relevant for neuromuscular disorders, but have not been definitively shown to cause cardiomyopathy (PMID: 23975875). In summary, the available evidence is currently insufficient to determine the role of this variant in disease. Therefore, it has been classified as a Variant of Uncertain Significance.

Literature cited by the submitters: PubMed 25589632; PubMed 23975875.